The following is an entry in ClinVar:

NM_001104631.2(PDE4D):c.809-24C>T

Gene: PDE4D (phosphodiesterase 4D; minus strand). Cytogenetic location: 5q11.2.
Variant type: single nucleotide variant.
Coding change: c.809-24C>T on transcript NM_001104631.2 (MANE Select); 24 bases into the intron before coding-DNA position 809, C replaced by T.
Molecular consequence: intron variant. On other transcripts: missense variant (1).
Genome position (GRCh38, 1-based): chr5:59,038,995, G>A on the plus strand (C>T on the coding strand, the complement: PDE4D is on the minus strand). VCF-style: chr5-59038995-G-A. GRCh37 (hg19) VCF-style: chr5-58334822-G-A.
Other names: c.113C>T, p.Ser38Phe (NM_001197222.2); c.626-24C>T (NM_001364599.1, NM_001165899.2); c.41-24C>T (NM_001349243.2, NM_001364604.1); c.596-24C>T (NM_001349241.2); c.617-24C>T (NM_001197218.2); c.-98-24C>T (NM_001364603.1, NM_001197221.2); c.401-24C>T (NM_006203.5); c.479-24C>T (NM_001349242.2); and 2 more; short protein forms S38F.
Identifiers: ClinVar variation 4976145 (VCV004976145.1).

ClinVar aggregate classification (germline): Uncertain significance (1 of 4 stars; one submission).

gnomAD v4.1: 70 of 1,558,472 alleles (0.0045%); highest among the groups gnomAD compares: Non-Finnish European, 0.0059%; no homozygotes.

Submission:

GeneDx
Classification: Uncertain significance. Last evaluated: 2026-02-03. Review status: criteria provided, single submitter. Criteria: GeneDx Variant Classification Process June 2021. Collection method: clinical testing. Allele origin: germline.
Comment: Has not been previously published as pathogenic or benign to our knowledge; Reported using an alternate transcript of the gene; In silico analysis does not support a benign or deleterious effect of this variant on protein structure/function